The following is an entry in ClinVar:

NM_000254.3(MTR):c.755A>G (p.Glu252Gly)

Gene: MTR (5-methyltetrahydrofolate-homocysteine methyltransferase; plus strand). Cytogenetic location: 1q43.
Variant type: single nucleotide variant.
Coding change: c.755A>G on transcript NM_000254.3 (MANE Select); coding-DNA position 755, A replaced by G.
Protein change: p.Glu252Gly; replaces glutamic acid 252 with glycine.
Molecular consequence: missense variant. On other transcripts: 5 prime UTR variant (1).
Genome position (GRCh38, 1-based): chr1:236,816,534, A>G. VCF-style: chr1-236816534-A-G. GRCh37 (hg19) VCF-style: chr1-236979834-A-G.
Other names: c.755A>G, p.Glu252Gly (NM_001291939.1); c.-354A>G (NM_001291940.2); short protein forms E252G.
Identifiers: ClinVar variation 1008682 (VCV001008682.6), dbSNP rs758776466, ClinGen allele CA1473850.

ClinVar aggregate classification (germline): Uncertain significance (1 of 4 stars; one submission).

Conditions:
Methylcobalamin deficiency type cblG (HMAG). Also called: Functional methionine synthase deficiency type cblG; HOMOCYSTINURIA-MEGALOBLASTIC ANEMIA, cblG COMPLEMENTATION TYPE; HOMOCYSTINURIA-MEGALOBLASTIC ANEMIA, cblG TYPE; HOMOCYSTINURIA-MEGALOBLASTIC ANEMIA DUE TO DEFECT IN COBALAMIN METABOLISM, cblG COMPLEMENTATION TYPE. Identifiers: Orphanet 2170, Orphanet 622, MedGen C1855128, MONDO:0009609, OMIM 250940.

Allele frequency attached by ClinVar (database versions not stated): ExAC 0.00001; gnomAD 0.00001 and 0.00002; gnomAD exomes 0.00001 and 0.00003; TOPMed 0.00002.
gnomAD v4.1: 24 of 1,613,822 alleles (0.0015%); highest among the groups gnomAD compares: Middle Eastern, 0.017%; no homozygotes.

Submission:

Labcorp Genetics (formerly Invitae), Labcorp
Classification: Uncertain significance for Methylcobalamin deficiency type cblG. Last evaluated: 2022-06-14. Review status: criteria provided, single submitter. Criteria: Invitae Variant Classification Sherloc (09022015). Collection method: clinical testing. Allele origin: germline.
Comment: This sequence change replaces glutamic acid, which is acidic and polar, with glycine, which is neutral and non-polar, at codon 252 of the MTR protein (p.Glu252Gly). This variant is present in population databases (rs758776466, gnomAD 0.02%). This variant has not been reported in the literature in individuals affected with MTR-related conditions. ClinVar contains an entry for this variant (Variation ID: 1008682). Algorithms developed to predict the effect of missense changes on protein structure and function (SIFT, PolyPhen-2, Align-GVGD) all suggest that this variant is likely to be tolerated. In summary, the available evidence is currently insufficient to determine the role of this variant in disease. Therefore, it has been classified as a Variant of Uncertain Significance.